The following is an entry in ClinVar:

ClinVar aggregate classification (germline): Likely benign. Review status: criteria provided, multiple submitters, no conflicts (2 of 4 stars). 3 submissions from 3 submitters: Likely benign (3). Last evaluated 2023-05-15.

Conditions:
Familial thoracic aortic aneurysm and aortic dissection (TAAD). Also called: Thoracic aortic aneurysms and dissections. Identifiers: Orphanet 91387, MedGen C4707243, MONDO:0019625.
Marfan syndrome (MFS). Also called: MARFAN SYNDROME, TYPE I; FBN1-Related Marfan Syndrome; Marfan syndrome type 1; Marfan's syndrome; Marfan syndrome, classic. Identifiers: Orphanet 284963, Orphanet 558, MedGen C0024796, MONDO:0007947, OMIM 154700.

Allele frequency attached by ClinVar (database versions not stated): TOPMed below 0.00001; gnomAD 0.00001.
gnomAD v4.1: 1 of 1,611,208 alleles (0.000062%); highest among the groups gnomAD compares: African/African-American, 0.0013%; no homozygotes.

Submissions (3):

All of Us Research Program, National Institutes of Health
Classification: Likely benign for Marfan syndrome. Last evaluated: 2023-05-15. Review status: criteria provided, single submitter. Criteria: ACMG Guidelines, 2015. Collection method: clinical testing. Allele origin: germline. Inheritance: Autosomal dominant inheritance. Observed: 1 variant allele, 1 heterozygote.
Comment: This study involves interpretation of variants in research participants for the purpose of population health screening. Participant phenotype was not available at the time of variant classification. Additional details can be found in publication PMID: 35346344, PMCID: PMC8962531

Labcorp Genetics (formerly Invitae), Labcorp
Classification: Likely benign for Marfan syndrome; Familial thoracic aortic aneurysm and aortic dissection. Last evaluated: 2022-11-24. Review status: criteria provided, single submitter. Criteria: Invitae Variant Classification Sherloc (09022015). Collection method: clinical testing. Allele origin: germline.

Ambry Genetics
Classification: Likely benign for Familial thoracic aortic aneurysm and aortic dissection. Last evaluated: 2022-11-10. Review status: criteria provided, single submitter. Criteria: Ambry Variant Classification Scheme 2023. Collection method: clinical testing. Allele origin: germline.

NM_000138.5(FBN1):c.7227T>A (p.Ile2409=)

Gene: FBN1 (fibrillin 1; minus strand). Cytogenetic location: 15q21.1.
Variant type: single nucleotide variant.
Coding change: c.7227T>A on transcript NM_000138.5 (MANE Select); coding-DNA position 7227, T replaced by A.
Protein change: p.Ile2409=; no amino-acid change (isoleucine 2409 retained).
Molecular consequence: synonymous variant.
Genome position (GRCh38, 1-based): chr15:48,425,842, A>T on the plus strand (T>A on the coding strand, the complement: FBN1 is on the minus strand). VCF-style: chr15-48425842-A-T. GRCh37 (hg19) VCF-style: chr15-48718039-A-T.
Other names: c.7227T>A, p.Ile2409= (NM_001406716.1).
Identifiers: ClinVar variation 2453675 (VCV002453675.6), dbSNP rs2042976009, ClinGen allele CA490017172.
Genomic context (GRCh38, chr15:48,425,842, plus strand): 5'-ACAAATGCAATGATATGATCCTCTGTCATTGACACATTCCCCATTTCGGCAAACATCGTG[A>T]ATAACCTTGCATTCATCGATATCTGTAATTTAACAAATATAAATTAAGAAATATATCATA-3'
Protein context (NP_000129.3, residues 2399-2419): NGADIDECKV[Ile2409=]HDVCRNGECV